The following is an entry in ClinVar:

NM_001005242.3(PKP2):c.1170+1G>T

Gene: PKP2 (plakophilin 2; minus strand). Cytogenetic location: 12p11.21.
Variant type: single nucleotide variant.
Coding change: c.1170+1G>T on transcript NM_001005242.3 (MANE Select); the canonical splice donor site of the intron after coding-DNA position 1170, G replaced by T.
Molecular consequence: splice donor variant.
Genome position (GRCh38, 1-based): chr12:32,868,926, C>A on the plus strand (G>T on the coding strand, the complement: PKP2 is on the minus strand). VCF-style: chr12-32868926-C-A. GRCh37 (hg19) VCF-style: chr12-33021860-C-A.
Other names: c.1170+1G>T (NM_001407156.1, NM_001407155.1, NM_004572.4 and 2 more transcripts); c.843+1G>T (NM_001407160.1, NM_001407159.1, NM_001407158.1 and 1 more transcripts).
Identifiers: ClinVar variation 2129037 (VCV002129037.4), dbSNP rs786204392, ClinGen allele CA384358901.
Genomic context (GRCh38, chr12:32,868,926, plus strand): 5'-AGTCACCATAATAGAAGTGAAAGTGTGTTGCGCTTTGCAATGGACTGAAGATGACACTCA[C>A]CCTCTTCCGAGCTTCAGATTTCTGGAAGCACTCGTGCTGTATGAAAGTAGCTGCAGCAGA-3'

ClinVar aggregate classification (germline): Pathogenic (1 of 4 stars; one submission).

Conditions:
Arrhythmogenic right ventricular dysplasia 9 (ARVD9). Also called: Arrhythmogenic Right Ventricular Dysplasia/Cardiomyopathy 9; ARRHYTHMOGENIC RIGHT VENTRICULAR DYSPLASIA, FAMILIAL, 9. Identifiers: MedGen C1836906, MONDO:0012180, OMIM 609040.

Submission:

Labcorp Genetics (formerly Invitae), Labcorp
Classification: Pathogenic for Arrhythmogenic right ventricular dysplasia 9. Last evaluated: 2023-10-13. Review status: criteria provided, single submitter. Criteria: Invitae Variant Classification Sherloc (09022015). Collection method: clinical testing. Allele origin: germline.
Comment: This sequence change affects a donor splice site in intron 4 of the PKP2 gene. It is expected to disrupt RNA splicing. Variants that disrupt the donor or acceptor splice site typically lead to a loss of protein function (PMID: 16199547), and loss-of-function variants in PKP2 are known to be pathogenic (PMID: 15489853, 23911551). This variant is not present in population databases (gnomAD no frequency). Disruption of this splice site has been observed in individuals with arrhythmogenic right ventricular cardiomyopathy (PMID: 20400443; Invitae). ClinVar contains an entry for this variant (Variation ID: 2129037). Algorithms developed to predict the effect of sequence changes on RNA splicing suggest that this variant may disrupt the consensus splice site. For these reasons, this variant has been classified as Pathogenic.

Literature cited by the submitters: PubMed 16199547; PubMed 15489853; PubMed 23911551; PubMed 20400443.